The following is an entry in ClinVar:

ClinVar aggregate classification (germline): Uncertain significance (1 of 4 stars; one submission).

Submission:

Labcorp Genetics (formerly Invitae), Labcorp
Classification: Uncertain significance. Last evaluated: 2022-07-18. Review status: criteria provided, single submitter. Criteria: Invitae Variant Classification Sherloc (09022015). Collection method: clinical testing. Allele origin: germline.
Comment: In summary, the available evidence is currently insufficient to determine the role of this variant in disease. Therefore, it has been classified as a Variant of Uncertain Significance. Variants that disrupt the consensus splice site are a relatively common cause of aberrant splicing (PMID: 17576681, 9536098). Algorithms developed to predict the effect of sequence changes on RNA splicing suggest that this variant is not likely to affect RNA splicing. ClinVar contains an entry for this variant (Variation ID: 1449522). This variant has not been reported in the literature in individuals affected with COL11A1-related conditions. This variant is not present in population databases (gnomAD no frequency). This sequence change falls in intron 38 of the COL11A1 gene. It does not directly change the encoded amino acid sequence of the COL11A1 protein. It affects a nucleotide within the consensus splice site.

Literature cited by the submitters: PubMed 17576681; PubMed 9536098.

NM_001854.4(COL11A1):c.2916+6T>C

Gene: COL11A1 (collagen type XI alpha 1 chain; minus strand). Cytogenetic location: 1p21.1.
Variant type: single nucleotide variant.
Coding change: c.2916+6T>C on transcript NM_001854.4 (MANE Select); 6 bases into the intron after coding-DNA position 2916, T replaced by C.
Molecular consequence: intron variant.
Genome position (GRCh38, 1-based): chr1:102,965,481, A>G on the plus strand (T>C on the coding strand, the complement: COL11A1 is on the minus strand). VCF-style: chr1-102965481-A-G. GRCh37 (hg19) VCF-style: chr1-103431037-A-G.
Other names: c.2799+6T>C (NM_001190709.2); c.2952+6T>C (NM_080629.3); c.2568+6T>C (NM_080630.4).
Identifiers: ClinVar variation 1449522 (VCV001449522.6), dbSNP rs2101594936, ClinGen allele CA2573130883.